The following is an entry in ClinVar:

NM_006767.4(LZTR1):c.1874_1890del (p.Ile625fs)

Gene: LZTR1 (leucine zipper like post translational regulator 1; plus strand). Cytogenetic location: 22q11.21.
Variant type: Deletion.
Coding change: c.1874_1890del on transcript NM_006767.4 (MANE Select); coding-DNA positions 1874 to 1890, 17 bases deleted (TAGTGGAGATTGTGCGG).
Protein change: p.Ile625fs; shifts the reading frame from isoleucine 625.
Molecular consequence: frameshift variant.
Genome position (GRCh38, 1-based): chr22:20,994,958-20,994,974, TAGTGGAGATTGTGCGG deleted. VCF-style (leftmost placement, unchanged base first): chr22-20994957-ATAGTGGAGATTGTGCGG-A. GRCh37 (hg19) VCF-style: chr22-21349246-ATAGTGGAGATTGTGCGG-A.
Other names: short protein forms I625fs.
Identifiers: ClinVar variation 1781738 (VCV001781738.2), dbSNP rs2518622518, ClinGen allele CA2580099247.
Genomic context (GRCh38, chr22:20,994,957, plus strand): 5'-GAGTCCCACTTCAACCAGGTGATCATGATGAAGGAGTTCGAGCGCCTCTCCTCTCCACTG[ATAGTGGAGATTGTGCGG>A]CGGAAGCAGCAGCCGCCCCCTCGCACTCCCTTGGACCAGCCAGTGGACATTGGTAGGGAG-3'

ClinVar aggregate classification (germline): Pathogenic (1 of 4 stars; one submission).

Conditions:
Hereditary cancer-predisposing syndrome. Also called: Neoplastic Syndromes, Hereditary; Tumor predisposition; Hereditary Cancer Syndrome; Hereditary neoplastic syndrome. Identifiers: Orphanet 140162, MedGen C0027672, MeSH D009386, MONDO:0015356.
Cardiovascular phenotype. Identifiers: MedGen CN230736.

Submission:

Ambry Genetics
Classification: Pathogenic for Cardiovascular phenotype; Hereditary cancer-predisposing syndrome. Last evaluated: 2022-01-07. Review status: criteria provided, single submitter. Criteria: Ambry Variant Classification Scheme 2023. Collection method: clinical testing. Allele origin: germline.
Comment: The c.1874_1890del17 variant, located in coding exon 16 of the LZTR1 gene, results from a deletion of 17 nucleotides at nucleotide positions 1874 to 1890, causing a translational frameshift with a predicted alternate stop codon (p.I625Tfs*38). This alteration is expected to result in loss of function by premature protein truncation or nonsense-mediated mRNA decay. Loss-of-function variants in LZTR1 are related to an increased risk for schwannomas and autosomal recessive Noonan syndrome; however, such associations with autosomal dominant Noonan syndrome have not been observed (Piotrowski A et al. Nat Genet. 2014 Feb;46:182-7; Yamamoto GL et al. J Med Genet. 2015 Jun;52:413-21; Johnston JJ et al. Genet Med. 2018 10;20:1175-1185). Based on the supporting evidence, this variant is pathogenic for an increased risk of LZTR1-related schwannomatosis (SWN) and would be expected to cause autosomal recessive Noonan syndrome when present along with a second pathogenic or likely pathogenic variant on the other allele; however, the association of this alteration with autosomal dominant Noonan syndrome is unlikely.